The following is an entry in ClinVar:

NM_001130144.3(LTBP3):c.3208C>T (p.Pro1070Ser)

Genes: LTBP3 (latent transforming growth factor beta binding protein 3; minus strand), LOC121832793 (Sharpr-MPRA regulatory region 4001; plus strand). Cytogenetic location: 11q13.1.
Variant type: single nucleotide variant.
Coding change: c.3208C>T on transcript NM_001130144.3 (MANE Select); coding-DNA position 3208, C replaced by T.
Protein change: p.Pro1070Ser; replaces proline 1070 with serine.
Molecular consequence: missense variant.
Genome position (GRCh38, 1-based): chr11:65,540,281, G>A on the plus strand (C>T on the coding strand, the complement: LTBP3 is on the minus strand). VCF-style: chr11-65540281-G-A. GRCh37 (hg19) VCF-style: chr11-65307752-G-A.
Other names: c.2857C>T, p.Pro953Ser (NM_001164266.1); c.3208C>T, p.Pro1070Ser (NM_021070.4); short protein forms P953S, P1070S.
Identifiers: ClinVar variation 652023 (VCV000652023.10), dbSNP rs1392991917, ClinGen allele CA381267404.

ClinVar aggregate classification (germline): Uncertain significance. Review status: criteria provided, multiple submitters, no conflicts (2 of 4 stars). 2 submissions from 2 submitters: Uncertain significance (2). Last evaluated 2025-08-12.

Conditions:
Brachyolmia-amelogenesis imperfecta syndrome. Also called: PLATYSPONDYLY WITH AMELOGENESIS IMPERFECTA; Tooth agenesis, selective, 6; Dental anomalies and short stature. Identifiers: Orphanet 2899, MedGen C1832594, MONDO:0011018, OMIM 601216. Disease mechanism: loss of function.
Inborn genetic diseases. Identifiers: MedGen C0950123, MeSH D030342.

Allele frequency attached by ClinVar (database versions not stated): gnomAD exomes below 0.00001; TOPMed below 0.00001; gnomAD 0.00001.
gnomAD v4.1: 2 of 1,556,090 alleles (0.00013%); highest among the groups gnomAD compares: Non-Finnish European, 0.000087%; no homozygotes.

Submissions (2):

Labcorp Genetics (formerly Invitae), Labcorp
Classification: Uncertain significance for Brachyolmia-amelogenesis imperfecta syndrome. Last evaluated: 2025-08-12. Review status: criteria provided, single submitter. Criteria: Invitae Variant Classification Sherloc (09022015). Collection method: clinical testing. Allele origin: germline.
Comment: This sequence change replaces proline, which is neutral and non-polar, with serine, which is neutral and polar, at codon 1070 of the LTBP3 protein (p.Pro1070Ser). This variant is not present in population databases (gnomAD no frequency). This variant has not been reported in the literature in individuals affected with LTBP3-related conditions. ClinVar contains an entry for this variant (Variation ID: 652023). An algorithm developed to predict the effect of missense changes on protein structure and function (PolyPhen-2) suggests that this variant is likely to be disruptive. In summary, the available evidence is currently insufficient to determine the role of this variant in disease. Therefore, it has been classified as a Variant of Uncertain Significance.

Ambry Genetics
Classification: Uncertain significance for Inborn genetic diseases. Last evaluated: 2023-01-05. Review status: criteria provided, single submitter. Criteria: Ambry Variant Classification Scheme 2023. Collection method: clinical testing. Allele origin: germline.
Comment: The p.P1070S variant (also known as c.3208C>T), located in coding exon 23 of the LTBP3 gene, results from a C to T substitution at nucleotide position 3208. The proline at codon 1070 is replaced by serine, an amino acid with similar properties. This amino acid position is conserved. In addition, the in silico prediction for this alteration is inconclusive. Since supporting evidence is limited at this time, the clinical significance of this alteration remains unclear.